The following is an entry in ClinVar:

ClinVar aggregate classification (germline): Conflicting classifications of pathogenicity. Review status: criteria provided, conflicting classifications (1 of 4 stars). 3 submissions from 3 submitters: Uncertain significance (2); Likely benign (1). Last evaluated 2025-02-20.

Conditions:
Familial thoracic aortic aneurysm and aortic dissection (TAAD). Also called: Thoracic aortic aneurysms and dissections. Identifiers: Orphanet 91387, MedGen C4707243, MONDO:0019625.
Adams-Oliver syndrome 5 (AOS5). Identifiers: Orphanet 974, MedGen C4014970, MONDO:0014459, OMIM 616028.

Allele frequency attached by ClinVar (database versions not stated): ExAC 0.00001; TOPMed 0.00001; gnomAD exomes 0.00002.
gnomAD v4.1: 33 of 1,613,158 alleles (0.002%); highest among the groups gnomAD compares: Non-Finnish European, 0.0026%; no homozygotes.

Submissions (3):

Labcorp Genetics (formerly Invitae), Labcorp
Classification: Likely benign for Adams-Oliver syndrome 5. Last evaluated: 2025-02-20. Review status: criteria provided, single submitter. Criteria: Invitae Variant Classification Sherloc (09022015). Collection method: clinical testing. Allele origin: germline.

Ambry Genetics
Classification: Uncertain significance for Familial thoracic aortic aneurysm and aortic dissection. Last evaluated: 2024-04-17. Review status: criteria provided, single submitter. Criteria: Ambry Variant Classification Scheme 2023. Collection method: clinical testing. Allele origin: germline.

Women's Health and Genetics/Laboratory Corporation of America, LabCorp
Classification: Uncertain significance. Last evaluated: 2024-01-22. Review status: criteria provided, single submitter. Criteria: LabCorp Variant Classification Summary - May 2015. Collection method: clinical testing. Allele origin: germline.
Comment: Variant summary: NOTCH1 c.2835C>G (p.Asp945Glu) results in a conservative amino acid change located in the EGF-like domain (IPR000742) of the encoded protein sequence. Four of five in-silico tools predict a damaging effect of the variant on protein function. The variant allele was found at a frequency of 1.6e-05 in 248774 control chromosomes. The available data on variant occurrences in the general population are insufficient to allow any conclusion about variant significance. To our knowledge, no occurrence of c.2835C>G in individuals affected with Adams-Oliver Syndrome 5 and no experimental evidence demonstrating its impact on protein function have been reported. ClinVar contains an entry for this variant (Variation ID: 1044217). Based on the evidence outlined above, the variant was classified as uncertain significance.

NM_017617.5(NOTCH1):c.2835C>G (p.Asp945Glu)

Gene: NOTCH1 (notch receptor 1; minus strand). Cytogenetic location: 9q34.3.
Variant type: single nucleotide variant.
Coding change: c.2835C>G on transcript NM_017617.5 (MANE Select); coding-DNA position 2835, C replaced by G.
Protein change: p.Asp945Glu; replaces aspartic acid 945 with glutamic acid.
Molecular consequence: missense variant.
Genome position (GRCh38, 1-based): chr9:136,509,867, G>C on the plus strand (C>G on the coding strand, the complement: NOTCH1 is on the minus strand). VCF-style: chr9-136509867-G-C. GRCh37 (hg19) VCF-style: chr9-139404319-G-C.
Other names: c.2835C>G (NM_017617.3); short protein forms D945E.
Identifiers: ClinVar variation 1044217 (VCV001044217.10), dbSNP rs756174213, ClinGen allele CA5341136.